The following is an entry in ClinVar:

ClinVar aggregate classification (germline): Likely benign (0 of 4 stars; one submission).

Conditions:
EP300-related disorder. Also called: EP300-related disorders; EP300-related condition.

Allele frequency attached by ClinVar (database versions not stated): gnomAD exomes below 0.00001.
gnomAD v4.1: 2 of 1,613,844 alleles (0.00012%); highest among the groups gnomAD compares: Non-Finnish European, 0.00017%; no homozygotes.

Submission:

PreventionGenetics, part of Exact Sciences
Classification: Likely benign for EP300-related condition. Last evaluated: 2023-04-07. Review status: no assertion criteria provided. Collection method: clinical testing. Allele origin: germline.
Comment: This variant is classified as likely benign based on ACMG/AMP sequence variant interpretation guidelines (Richards et al. 2015 PMID: 25741868, with internal and published modifications).

NM_001429.4(EP300):c.3591-3C>T

Gene: EP300 (E1A binding protein p300; plus strand). Cytogenetic location: 22q13.2.
Variant type: single nucleotide variant.
Coding change: c.3591-3C>T on transcript NM_001429.4 (MANE Select); 3 bases into the intron before coding-DNA position 3591, C replaced by T.
Molecular consequence: intron variant.
Genome position (GRCh38, 1-based): chr22:41,160,639, C>T. VCF-style: chr22-41160639-C-T. GRCh37 (hg19) VCF-style: chr22-41556643-C-T.
Other names: c.3513-3C>T (NM_001362843.2).
Identifiers: ClinVar variation 3032024 (VCV003032024.2), dbSNP rs1399029477, ClinGen allele CA639444252.